The following is an entry in ClinVar:

NM_000548.5(TSC2):c.28G>C (p.Gly10Arg)

Gene: TSC2 (TSC complex subunit 2; plus strand). Cytogenetic location: 16p13.3.
Variant type: single nucleotide variant.
Coding change: c.28G>C on transcript NM_000548.5 (MANE Select); coding-DNA position 28, G replaced by C.
Protein change: p.Gly10Arg; replaces glycine 10 with arginine.
Molecular consequence: missense variant. On other transcripts: 5 prime UTR variant (19), non-coding transcript variant (5), intron variant (6).
Genome position (GRCh38, 1-based): chr16:2,048,643, G>C. VCF-style: chr16-2048643-G-C. GRCh37 (hg19) VCF-style: chr16-2098644-G-C.
Other names: c.28G>C, p.Gly10Arg (NM_001077183.3, NM_001114382.3, NM_001318827.2 and 13 more transcripts); c.-199G>C (NM_001318831.2, NM_001406682.1, NM_001406684.1 and 2 more transcripts); c.61G>C, p.Gly21Arg (NM_001318832.2); c.-418G>C (NM_001406681.1); c.-789G>C (NM_001406683.1, NM_001406687.1, NM_001406680.1); c.-1404G>C (NM_001406689.1, NM_001406690.1, NM_001406691.1 and 2 more transcripts); c.-1710G>C (NM_001406693.1); c.-1285G>C (NM_001406694.1, NM_001406695.1); and 4 more; short protein forms G21R, G10R.
Identifiers: ClinVar variation 2847717 (VCV002847717.4), dbSNP rs2150970435, ClinGen allele CA394300724.

ClinVar aggregate classification (germline): Uncertain significance. Review status: criteria provided, multiple submitters, no conflicts (2 of 4 stars). 2 submissions from 2 submitters: Uncertain significance (2). Last evaluated 2025-05-02.

Conditions:
Tuberous sclerosis 2 (TSC2). Identifiers: Orphanet 805, MedGen C1860707, MONDO:0013199, OMIM 613254.
Hereditary cancer-predisposing syndrome. Also called: Hereditary Cancer Syndrome; Hereditary neoplastic syndrome; Neoplastic Syndromes, Hereditary; Tumor predisposition. Identifiers: Orphanet 140162, MedGen C0027672, MeSH D009386, MONDO:0015356.

Submissions (2):

Labcorp Genetics (formerly Invitae), Labcorp
Classification: Uncertain significance for Tuberous sclerosis 2. Last evaluated: 2025-05-02. Review status: criteria provided, single submitter. Criteria: Invitae Variant Classification Sherloc (09022015). Collection method: clinical testing. Allele origin: germline.
Comment: This sequence change replaces glycine, which is neutral and non-polar, with arginine, which is basic and polar, at codon 10 of the TSC2 protein (p.Gly10Arg). This variant is not present in population databases (gnomAD no frequency). This variant has not been reported in the literature in individuals affected with TSC2-related conditions. ClinVar contains an entry for this variant (Variation ID: 2847717). Invitae Evidence Modeling of protein sequence and biophysical properties (such as structural, functional, and spatial information, amino acid conservation, physicochemical variation, residue mobility, and thermodynamic stability) indicates that this missense variant is not expected to disrupt TSC2 protein function with a negative predictive value of 95%. In summary, the available evidence is currently insufficient to determine the role of this variant in disease. Therefore, it has been classified as a Variant of Uncertain Significance.

Ambry Genetics
Classification: Uncertain significance for Hereditary cancer-predisposing syndrome. Last evaluated: 2024-05-16. Review status: criteria provided, single submitter. Criteria: Ambry Variant Classification Scheme 2023. Collection method: clinical testing. Allele origin: germline.
Comment: The p.G10R variant (also known as c.28G>C), located in coding exon 1 of the TSC2 gene, results from a G to C substitution at nucleotide position 28. The glycine at codon 10 is replaced by arginine, an amino acid with dissimilar properties. This amino acid position is well conserved in available vertebrate species. In addition, the in silico prediction for this alteration is inconclusive. Based on the available evidence, the clinical significance of this variant remains unclear.